The following is an entry in ClinVar:

NM_021942.6(TRAPPC11):c.44G>A (p.Arg15Gln)

Gene: TRAPPC11 (trafficking protein particle complex subunit 11; plus strand). Cytogenetic location: 4q35.1.
Variant type: single nucleotide variant.
Coding change: c.44G>A on transcript NM_021942.6 (MANE Select); coding-DNA position 44, G replaced by A.
Protein change: p.Arg15Gln; replaces arginine 15 with glutamine.
Molecular consequence: missense variant.
Genome position (GRCh38, 1-based): chr4:183,663,911, G>A. VCF-style: chr4-183663911-G-A. GRCh37 (hg19) VCF-style: chr4-184585064-G-A.
Other names: c.44G>A (NM_021942.4); c.44G>A, p.Arg15Gln (NM_199053.3); short protein forms R15Q.
Identifiers: ClinVar variation 945076 (VCV000945076.10), dbSNP rs368097747, ClinGen allele CA3151467.

ClinVar aggregate classification (germline): Uncertain significance. Review status: criteria provided, multiple submitters, no conflicts (2 of 4 stars). 3 submissions from 3 submitters: Uncertain significance (3). Last evaluated 2024-07-30.

Conditions:
Inborn genetic diseases. Identifiers: MedGen C0950123, MeSH D030342.
Autosomal recessive limb-girdle muscular dystrophy type R18 (LGMDR18). Also called: Autosomal recessive limb-girdle muscular dystrophy type 2S; MUSCULAR DYSTROPHY, LIMB-GIRDLE, AUTOSOMAL RECESSIVE 18; Limb-girdle muscular dystrophy, type 2S. Identifiers: Orphanet 369840, MedGen C4517996, MONDO:0014144, OMIM 615356.

Allele frequency attached by ClinVar (database versions not stated): gnomAD exomes 0.00001; ExAC 0.00002; TOPMed 0.00002; ESP Exome Variant Server 0.00008.

Submissions (3):

Ambry Genetics
Classification: Uncertain significance for Inborn genetic diseases. Last evaluated: 2024-07-30. Review status: criteria provided, single submitter. Criteria: Ambry Variant Classification Scheme 2023. Collection method: clinical testing. Allele origin: germline.

Labcorp Genetics (formerly Invitae), Labcorp
Classification: Uncertain significance for Autosomal recessive limb-girdle muscular dystrophy type R18. Last evaluated: 2021-08-20. Review status: criteria provided, single submitter. Criteria: Invitae Variant Classification Sherloc (09022015). Collection method: clinical testing. Allele origin: germline.
Comment: This sequence change replaces arginine with glutamine at codon 15 of the TRAPPC11 protein (p.Arg15Gln). The arginine residue is highly conserved and there is a small physicochemical difference between arginine and glutamine. This variant is present in population databases (rs368097747, ExAC 0.01%). This variant has not been reported in the literature in individuals affected with TRAPPC11-related conditions. Algorithms developed to predict the effect of missense changes on protein structure and function (SIFT, PolyPhen-2, Align-GVGD) all suggest that this variant is likely to be tolerated. Algorithms developed to predict the effect of sequence changes on RNA splicing suggest that this variant may create or strengthen a splice site. In summary, the available evidence is currently insufficient to determine the role of this variant in disease. Therefore, it has been classified as a Variant of Uncertain Significance.

Revvity Omics, Revvity
Classification: Uncertain significance for Autosomal recessive limb-girdle muscular dystrophy type R18. Last evaluated: 2020-10-28. Review status: criteria provided, single submitter. Criteria: ACMG Guidelines, 2015. Collection method: clinical testing. Allele origin: germline.